The following is an entry in ClinVar:

NM_001244008.2(KIF1A):c.1726G>C (p.Val576Leu)

Gene: KIF1A (kinesin family member 1A; minus strand). Cytogenetic location: 2q37.3.
Variant type: single nucleotide variant.
Coding change: c.1726G>C on transcript NM_001244008.2 (MANE Select); coding-DNA position 1726, G replaced by C.
Protein change: p.Val576Leu; replaces valine 576 with leucine.
Molecular consequence: missense variant.
Genome position (GRCh38, 1-based): chr2:240,765,752, C>G on the plus strand (G>C on the coding strand, the complement: KIF1A is on the minus strand). VCF-style: chr2-240765752-C-G. GRCh37 (hg19) VCF-style: chr2-241705169-C-G.
Other names: c.1699G>C, p.Val567Leu (NM_001379636.1, NM_001379639.1, NM_001379640.1 and 10 more transcripts); c.1774G>C, p.Val592Leu (NM_001379637.1, NM_001379648.1); c.1726G>C, p.Val576Leu (NM_001379638.1, NM_001320705.2, NM_001330289.2); c.1801G>C, p.Val601Leu (NM_001379646.1, NM_001330290.2, NM_001379631.1 and 2 more transcripts); short protein forms V567L, V576L, V592L, V601L.
Identifiers: ClinVar variation 4823422 (VCV004823422.4).

ClinVar aggregate classification (germline): Uncertain significance (1 of 4 stars; one submission).

gnomAD v4.1: 2 of 1,613,692 alleles (0.00012%); highest among the groups gnomAD compares: Non-Finnish European, 0.00017%; no homozygotes.

Submission:

CeGaT Center for Human Genetics Tuebingen
Classification: Uncertain significance. Last evaluated: 2026-02-01. Review status: criteria provided, single submitter. Criteria: CeGaT Center For Human Genetics Tuebingen Variant Classification Criteria Version 2. Collection method: clinical testing. Allele origin: germline. Affected: yes. Observed: 1 variant allele.
Comment: KIF1A: PM2, PP2, PP3